The following is an entry in ClinVar:

ClinVar aggregate classification (germline): Uncertain significance (1 of 4 stars; one submission).

Submission:

GeneDx
Classification: Uncertain significance. Last evaluated: 2024-08-19. Review status: criteria provided, single submitter. Criteria: GeneDx Variant Classification Process June 2021. Collection method: clinical testing. Allele origin: germline. Affected: yes.
Comment: Not observed at significant frequency in large population cohorts (gnomAD); Frameshift variant predicted to result in abnormal protein length as the last 14 amino acids are replaced with 62 different amino acids; Has not been previously published as pathogenic or benign to our knowledge

NM_001029896.2(WDR45):c.1039del (p.Ala347fs)

Gene: WDR45 (WD repeat domain 45; minus strand). Cytogenetic location: Xp11.23.
Variant type: Deletion.
Coding change: c.1039del on transcript NM_001029896.2 (MANE Select); coding-DNA position 1039, one base deleted (G; older notation c.1039delG).
Protein change: p.Ala347fs; shifts the reading frame from alanine 347.
Molecular consequence: frameshift variant.
Genome position (GRCh38, 1-based): chrX:49,074,847, C deleted on the plus strand (G on the coding strand, the reverse complement: WDR45 is on the minus strand); the first of 2 consecutive C bases (chrX:49,074,847-49,074,848); deleting either gives the same sequence. VCF-style (leftmost placement, unchanged base first): chrX-49074846-GC-G. GRCh37 (hg19) VCF-style: chrX-48932505-GC-G.
Other names: c.1042del, p.Ala348fs (NM_007075.4); short protein forms A347fs, A348fs.
Identifiers: ClinVar variation 3764408 (VCV003764408.1).